The following is an entry in ClinVar:

NM_000350.3(ABCA4):c.3635T>C (p.Val1212Ala)

Genes: ABCA4 (ATP binding cassette subfamily A member 4; minus strand), LOC126805794 (BRD4-independent group 4 enhancer GRCh37_chr1:94502188-94503387; plus strand). Cytogenetic location: 1p22.1.
Variant type: single nucleotide variant.
Coding change: c.3635T>C on transcript NM_000350.3 (MANE Select); coding-DNA position 3635, T replaced by C.
Protein change: p.Val1212Ala; replaces valine 1212 with alanine.
Molecular consequence: missense variant.
Genome position (GRCh38, 1-based): chr1:94,037,323, A>G on the plus strand (T>C on the coding strand, the complement: ABCA4 is on the minus strand). VCF-style: chr1-94037323-A-G. GRCh37 (hg19) VCF-style: chr1-94502879-A-G.
Other names: c.3413T>C, p.Val1138Ala (NM_001425324.1); short protein forms V1212A, V1138A.
Identifiers: ClinVar variation 3632104 (VCV003632104.2).
Genomic context (GRCh38, chr1:94,037,323, plus strand): 5'-AGGAAGATAAGTTCTTGACCAATGCACTCCACCAGCTTTGCCTCTGGAACATGGTGGAGA[A>G]CTACATCCATCAGCTCATTTACATCCCCTAGGACAAGAAAAAAGACTGATGCCAGCTCTG-3'
Protein context (NP_000341.2, residues 1202-1222): DGDVNELMDV[Val1212Ala]LHHVPEAKLV

ClinVar aggregate classification (germline): Uncertain significance (1 of 4 stars; one submission).

Submission:

Labcorp Genetics (formerly Invitae), Labcorp
Classification: Uncertain significance. Last evaluated: 2024-03-16. Review status: criteria provided, single submitter. Criteria: Invitae Variant Classification Sherloc (09022015). Collection method: clinical testing. Allele origin: germline.
Comment: This sequence change replaces valine, which is neutral and non-polar, with alanine, which is neutral and non-polar, at codon 1212 of the ABCA4 protein (p.Val1212Ala). This variant is not present in population databases (gnomAD no frequency). This variant has not been reported in the literature in individuals affected with ABCA4-related conditions. Advanced modeling of protein sequence and biophysical properties (such as structural, functional, and spatial information, amino acid conservation, physicochemical variation, residue mobility, and thermodynamic stability) has been performed at Invitae for this missense variant, however the output from this modeling did not meet the statistical confidence thresholds required to predict the impact of this variant on ABCA4 protein function. In summary, the available evidence is currently insufficient to determine the role of this variant in disease. Therefore, it has been classified as a Variant of Uncertain Significance.